The following is an entry in ClinVar:

ClinVar aggregate classification (germline): Uncertain significance (1 of 4 stars; one submission).

Conditions:
Primary ciliary dyskinesia. Also called: Ciliary dyskinesia. Identifiers: Orphanet 244, MedGen C0008780, MONDO:0016575, HP:0012265.

Submission:

Labcorp Genetics (formerly Invitae), Labcorp
Classification: Uncertain significance for Primary ciliary dyskinesia. Last evaluated: 2026-01-11. Review status: criteria provided, single submitter. Criteria: Invitae Variant Classification Sherloc (09022015). Collection method: clinical testing. Allele origin: germline.
Comment: This sequence change falls in intron 6 of the DNAAF3 gene. It does not directly change the encoded amino acid sequence of the DNAAF3 protein. Information on the frequency of this variant in the gnomAD database is not available, as this variant may be reported differently in the database. This variant has not been reported in the literature in individuals affected with DNAAF3-related conditions. Experimental studies and prediction algorithms are not available or were not evaluated, and the effect of this variant on mRNA splicing is currently unknown. In summary, the available evidence is currently insufficient to determine the role of this variant in disease. Therefore, it has been classified as a Variant of Uncertain Significance.

NM_001256715.2(DNAAF3):c.663+14_663+15delinsAC

Genes: DNAAF3 (dynein axonemal assembly factor 3; minus strand), DNAAF3-AS1 (DNAAF3 antisense RNA 1; plus strand). Cytogenetic location: 19q13.42.
Variant type: Indel.
Coding change: c.663+14_663+15delinsAC on transcript NM_001256715.2 (MANE Select); bases 14 to 15 of the intron after coding-DNA position 663, GA replaced by AC.
Molecular consequence: intron variant.
Genome position (GRCh38, 1-based): chr19:55,161,628-55,161,629, TC replaced by GT on the plus strand (GA replaced by AC on the coding strand, the reverse complement: DNAAF3 is on the minus strand). VCF-style: chr19-55161628-TC-GT. GRCh37 (hg19) VCF-style: chr19-55672996-TC-GT.
Other names: c.804+14_804+15delinsAC (NM_178837.4); c.867+14_867+15delinsAC (NM_001256714.1); c.501+14_501+15delinsAC (NM_001256716.2).
Identifiers: ClinVar variation 4702340 (VCV004702340.1).